The following is an entry in ClinVar:

ClinVar aggregate classification (germline): Conflicting classifications of pathogenicity. Review status: criteria provided, conflicting classifications (1 of 4 stars). 8 submissions from 7 submitters: Uncertain significance (2); Benign (1); Likely benign (3). 2 of the submissions do not count toward it. Last evaluated 2026-01-28.

Conditions:
Autosomal recessive nonsyndromic hearing loss 12. Also called: DEAFNESS, AUTOSOMAL RECESSIVE 12. Identifiers: Orphanet 90636, MedGen C1832394, MONDO:0011067, OMIM 601386.
Usher syndrome type 1 (USH1). Also called: RETINITIS PIGMENTOSA AND CONGENITAL DEAFNESS. Identifiers: Orphanet 231169, Orphanet 886, MedGen C1568247, MONDO:0010168, OMIM 276900.
Usher syndrome type 1D (USH1D). Also called: USHER SYNDROME, TYPE ID. Identifiers: Orphanet 231169, Orphanet 886, MedGen C1832845, MONDO:0010984, OMIM 601067.
CDH23-related disorder. Also called: CDH23-related disorders; CDH23-related condition.

Allele frequency attached by ClinVar (database versions not stated): ESP Exome Variant Server 0.00008; gnomAD 0.00010; TOPMed 0.00014.
gnomAD v4.1: 243 of 1,613,944 alleles (0.015%); highest among the groups gnomAD compares: Middle Eastern, 0.083%; 1 homozygote.

Submissions (8):

Labcorp Genetics (formerly Invitae), Labcorp
Classification: Likely benign. Last evaluated: 2026-01-28. Review status: criteria provided, single submitter. Criteria: Invitae Variant Classification Sherloc (09022015). Collection method: clinical testing. Allele origin: germline.

Blueprint Genetics
Classification: Likely benign. Last evaluated: 2024-10-02. Review status: criteria provided, single submitter. Criteria: ACMG Guidelines, 2015. Collection method: clinical testing. Allele origin: germline.

GeneDx
Classification: Likely benign. Last evaluated: 2020-05-21. Review status: criteria provided, single submitter. Criteria: GeneDx Variant Classification Process June 2021. Collection method: clinical testing. Allele origin: germline. Affected: yes.

Illumina Laboratory Services, Illumina
Classification: Uncertain significance for Autosomal recessive nonsyndromic hearing loss 12. Last evaluated: 2018-01-12. Review status: criteria provided, single submitter. Criteria: ICSL Variant Classification Criteria 13 December 2019. Collection method: clinical testing. Allele origin: germline.

Illumina Laboratory Services, Illumina
Classification: Uncertain significance for Usher syndrome type 1D. Last evaluated: 2018-01-12. Review status: criteria provided, single submitter. Criteria: ICSL Variant Classification Criteria 13 December 2019. Collection method: clinical testing. Allele origin: germline.

Laboratory for Molecular Medicine, Mass General Brigham Personalized Medicine
Classification: Benign. Last evaluated: 2017-05-31. Review status: criteria provided, single submitter. Criteria: LMM Criteria. Collection method: clinical testing. Allele origin: germline. Observed: 1 variant allele.
Comment: p.Thr1062Thr in Exon 27 of CDH23: This variant is not expected to have clinical significance because it does not alter an amino acid residue and is not located within the splice consensus sequence. It has been identified in 0.5% (46/10144) of Ashkenazi Jewish chromosomes by the Genome Aggregation Database (gnomAD; dbSNP rs201589645).

Natera, Inc.
Classification: Likely benign for Usher syndrome type 1. Last evaluated: 2020-04-13. Review status: no assertion criteria provided. Collection method: clinical testing. Allele origin: germline. Not counted in ClinVar's aggregate classification.

PreventionGenetics, part of Exact Sciences
Classification: Likely benign for CDH23-related condition. Last evaluated: 2019-08-07. Review status: no assertion criteria provided. Collection method: clinical testing. Allele origin: germline. Not counted in ClinVar's aggregate classification.
Comment: This variant is classified as likely benign based on ACMG/AMP sequence variant interpretation guidelines (Richards et al. 2015 PMID: 25741868, with internal and published modifications).

NM_022124.6(CDH23):c.3186C>A (p.Thr1062=)

Gene: CDH23 (cadherin related 23; plus strand). Cytogenetic location: 10q22.1.
Variant type: single nucleotide variant.
Coding change: c.3186C>A on transcript NM_022124.6 (MANE Select); coding-DNA position 3186, C replaced by A.
Protein change: p.Thr1062=; no amino-acid change (threonine 1062 retained).
Molecular consequence: synonymous variant.
Genome position (GRCh38, 1-based): chr10:71,709,177, C>A. VCF-style: chr10-71709177-C-A. GRCh37 (hg19) VCF-style: chr10-73468934-C-A.
Other names: c.3186C>A, p.Thr1062= (NM_001171930.2).
Identifiers: ClinVar variation 300422 (VCV000300422.25), dbSNP rs201589645, ClinGen allele CA5544506.